The following is an entry in ClinVar:

NM_032242.4(PLXNA1):c.2080G>A (p.Ala694Thr)

Gene: PLXNA1 (plexin A1; plus strand). Cytogenetic location: 3q21.3.
Variant type: single nucleotide variant.
Coding change: c.2080G>A on transcript NM_032242.4 (MANE Select); coding-DNA position 2080, G replaced by A.
Protein change: p.Ala694Thr; replaces alanine 694 with threonine.
Molecular consequence: missense variant.
Genome position (GRCh38, 1-based): chr3:127,007,881, G>A. VCF-style: chr3-127007881-G-A. GRCh37 (hg19) VCF-style: chr3-126726724-G-A.
Other names: short protein forms A694T.
Identifiers: ClinVar variation 2635039 (VCV002635039.2), dbSNP rs149327396, ClinGen allele CA2593492.

ClinVar aggregate classification (germline): Uncertain significance (1 of 4 stars; one submission).

Conditions:
PLXNA1-related disorder. Also called: PLXNA1-related condition.

Allele frequency attached by ClinVar (database versions not stated): ExAC 0.00002; gnomAD 0.00003; gnomAD exomes 0.00003; TOPMed 0.00003; ESP Exome Variant Server 0.00008.
gnomAD v4.1: 50 of 1,611,830 alleles (0.0031%); highest among the groups gnomAD compares: African/African-American, 0.008%; no homozygotes.

Submission:

PreventionGenetics, part of Exact Sciences
Classification: Uncertain significance for PLXNA1-related condition. Last evaluated: 2025-02-18. Review status: criteria provided, single submitter. Criteria: ACMG Guidelines, 2015. Collection method: clinical testing. Allele origin: germline.
Comment: The PLXNA1 c.2080G>A variant is predicted to result in the amino acid substitution p.Ala694Thr. To our knowledge, this variant has not been reported in the literature. This variant is reported in 0.0040% of alleles in individuals of African descent in gnomAD. At this time, the clinical significance of this variant is uncertain due to the absence of conclusive functional and genetic evidence.